The following is an entry in ClinVar:

NM_000455.5(STK11):c.734+30C>T

Gene: STK11 (serine/threonine kinase 11; plus strand). Cytogenetic location: 19p13.3.
Variant type: single nucleotide variant.
Coding change: c.734+30C>T on transcript NM_000455.5 (MANE Select); 30 bases into the intron after coding-DNA position 734, C replaced by T.
Molecular consequence: intron variant.
Genome position (GRCh38, 1-based): chr19:1,220,747, C>T. VCF-style: chr19-1220747-C-T. GRCh37 (hg19) VCF-style: chr19-1220746-C-T.
Other names: c.734+30C>T (NM_001407255.1).
Identifiers: ClinVar variation 4990081 (VCV004990081.1).
Genomic context (GRCh38, chr19:1,220,747, plus strand): 5'-AGGTGGACATCTGGTCGGCTGGGGTCACCCTGTAAGTGCCCCGCCCCCCCGGGCACTCAC[C>T]ACACGCACACTCCGAGGGGCCTCTGCGTCTTGGGCAGCTGCCGGCCTGTGGGCGCAGGGC-3'

ClinVar aggregate classification (germline): Likely benign (1 of 4 stars; one submission).

Conditions:
STK11-related disorder. Also called: STK11-related condition.

Submission:

PreventionGenetics, part of Exact Sciences
Classification: Likely benign for STK11-related condition. Last evaluated: 2025-04-23. Review status: criteria provided, single submitter. Criteria: ACMG Guidelines, 2015. Collection method: clinical testing. Allele origin: germline.
Comment: This variant is classified as likely benign based on ACMG/AMP sequence variant interpretation guidelines (Richards et al. 2015 PMID: 25741868, with internal and published modifications).